The following is an entry in ClinVar:

ClinVar aggregate classification (germline): Likely benign. Review status: criteria provided, multiple submitters, no conflicts (2 of 4 stars). 4 submissions from 4 submitters: Likely benign (4). Last evaluated 2026-06-30.

Conditions:
BAP1-related disorder. Also called: BAP1-related condition.
Hereditary cancer-predisposing syndrome. Also called: Neoplastic Syndromes, Hereditary; Hereditary Cancer Syndrome; Tumor predisposition; Hereditary neoplastic syndrome. Identifiers: Orphanet 140162, MedGen C0027672, MeSH D009386, MONDO:0015356.
BAP1-related tumor predisposition syndrome (TPDS1). Also called: Tumor susceptibility linked to germline BAP1 mutations; COMMON Syndrome; BAP1 tumor predisposition syndrome; TUMOR PREDISPOSITION SYNDROME 1. Identifiers: Orphanet 289539, MedGen C3280492, MONDO:0013692, OMIM 614327.

Allele frequency attached by ClinVar (database versions not stated): TOPMed below 0.00001.

Submissions (4):

PreventionGenetics, part of Exact Sciences
Classification: Likely benign for BAP1-related condition. Last evaluated: 2026-06-30. Review status: criteria provided, single submitter. Criteria: ACMG Guidelines, 2015. Collection method: clinical testing. Allele origin: germline.
Comment: This variant is classified as likely benign based on ACMG/AMP sequence variant interpretation guidelines (Richards et al. 2015 PMID: 25741868, with internal and published modifications).

Labcorp Genetics (formerly Invitae), Labcorp
Classification: Likely benign for BAP1-related tumor predisposition syndrome. Last evaluated: 2025-11-14. Review status: criteria provided, single submitter. Criteria: Invitae Variant Classification Sherloc (09022015). Collection method: clinical testing. Allele origin: germline.

Ambry Genetics
Classification: Likely benign for Hereditary cancer-predisposing syndrome. Last evaluated: 2022-02-05. Review status: criteria provided, single submitter. Criteria: Ambry Variant Classification Scheme 2023. Collection method: clinical testing. Allele origin: germline.

Color Diagnostics, LLC DBA Color Health
Classification: Likely benign for Hereditary cancer-predisposing syndrome. Last evaluated: 2017-06-22. Review status: criteria provided, single submitter. Criteria: ACMG Guidelines, 2015. Collection method: clinical testing. Allele origin: germline.

NM_004656.4(BAP1):c.1353G>A (p.Lys451=)

Gene: BAP1 (BRCA1 associated deubiquitinase 1; minus strand). Cytogenetic location: 3p21.1.
Variant type: single nucleotide variant.
Coding change: c.1353G>A on transcript NM_004656.4 (MANE Select); coding-DNA position 1353, G replaced by A.
Protein change: p.Lys451=; no amino-acid change (lysine 451 retained).
Molecular consequence: synonymous variant.
Genome position (GRCh38, 1-based): chr3:52,403,792, C>T on the plus strand (G>A on the coding strand, the complement: BAP1 is on the minus strand). VCF-style: chr3-52403792-C-T. GRCh37 (hg19) VCF-style: chr3-52437808-C-T.
Identifiers: ClinVar variation 490793 (VCV000490793.11), dbSNP rs1364387568, ClinGen allele CA433886375.